The following is an entry in ClinVar:

ClinVar aggregate classification (germline): Likely benign (0 of 4 stars; one submission).

Conditions:
ALKBH8-related disorder. Also called: ALKBH8-related condition.

Submission:

PreventionGenetics, part of Exact Sciences
Classification: Likely benign for ALKBH8-related condition. Last evaluated: 2020-04-29. Review status: no assertion criteria provided. Collection method: clinical testing. Allele origin: germline.
Comment: This variant is classified as likely benign based on ACMG/AMP sequence variant interpretation guidelines (Richards et al. 2015 PMID: 25741868, with internal and published modifications).

NM_138775.3(ALKBH8):c.1288-10T>C

Gene: ALKBH8 (alkB homolog 8, tRNA methyltransferase; minus strand). Cytogenetic location: 11q22.3.
Variant type: single nucleotide variant.
Coding change: c.1288-10T>C on transcript NM_138775.3 (MANE Select); 10 bases into the intron before coding-DNA position 1288, T replaced by C.
Molecular consequence: intron variant.
Genome position (GRCh38, 1-based): chr11:107,511,046, A>G on the plus strand (T>C on the coding strand, the complement: ALKBH8 is on the minus strand). VCF-style: chr11-107511046-A-G. GRCh37 (hg19) VCF-style: chr11-107381772-A-G.
Other names: c.1288-5831T>C (NM_001378133.1); c.1288-10T>C (NM_001301010.3).
Identifiers: ClinVar variation 3054910 (VCV003054910.2), dbSNP rs2496332242, ClinGen allele CA2740093194.